The following is an entry in ClinVar:

ClinVar aggregate classification (germline): Uncertain significance (0 of 4 stars; one submission).

Conditions:
ARID2-related disorder. Also called: ARID2-related condition.

Allele frequency attached by ClinVar (database versions not stated): gnomAD exomes 0.00001.
gnomAD v4.1: 15 of 1,614,120 alleles (0.00093%); highest among the groups gnomAD compares: Non-Finnish European, 0.0013%; no homozygotes.

Submission:

PreventionGenetics, part of Exact Sciences
Classification: Uncertain significance for ARID2-related condition. Last evaluated: 2023-12-29. Review status: no assertion criteria provided. Collection method: clinical testing. Allele origin: germline.
Comment: The ARID2 c.2638A>G variant is predicted to result in the amino acid substitution p.Ile880Val. To our knowledge, this variant has not been reported in the literature or in a large population database, indicating this variant is rare. At this time, the clinical significance of this variant is uncertain due to the absence of conclusive functional and genetic evidence.

NM_152641.4(ARID2):c.2638A>G (p.Ile880Val)

Gene: ARID2 (AT-rich interaction domain 2; plus strand). Cytogenetic location: 12q12.
Variant type: single nucleotide variant.
Coding change: c.2638A>G on transcript NM_152641.4 (MANE Select); coding-DNA position 2638, A replaced by G.
Protein change: p.Ile880Val; replaces isoleucine 880 with valine.
Molecular consequence: missense variant.
Genome position (GRCh38, 1-based): chr12:45,850,761, A>G. VCF-style: chr12-45850761-A-G. GRCh37 (hg19) VCF-style: chr12-46244544-A-G.
Other names: c.2638A>G, p.Ile880Val (NM_001347839.2); short protein forms I880V.
Identifiers: ClinVar variation 2628695 (VCV002628695.3), dbSNP rs1943533276, ClinGen allele CA384476247.